The following is an entry in ClinVar:

ClinVar aggregate classification (germline): Uncertain significance. Review status: criteria provided, multiple submitters, no conflicts (2 of 4 stars). 2 submissions from 2 submitters: Uncertain significance (2). Last evaluated 2025-09-29.

Conditions:
Inborn genetic diseases. Identifiers: MedGen C0950123, MeSH D030342.

Allele frequency attached by ClinVar (database versions not stated): TOPMed 0.00007; ExAC 0.00010; gnomAD 0.00011; ESP Exome Variant Server 0.00016; gnomAD exomes 0.00016.
gnomAD v4.1: 242 of 1,560,828 alleles (0.016%); highest among the groups gnomAD compares: Non-Finnish European, 0.019%; no homozygotes.

Submissions (2):

Ambry Genetics
Classification: Uncertain significance for Inborn genetic diseases. Last evaluated: 2025-09-29. Review status: criteria provided, single submitter. Criteria: Ambry Variant Classification Scheme 2023. Collection method: clinical testing. Allele origin: germline.

Labcorp Genetics (formerly Invitae), Labcorp
Classification: Uncertain significance. Last evaluated: 2025-03-22. Review status: criteria provided, single submitter. Criteria: Invitae Variant Classification Sherloc (09022015). Collection method: clinical testing. Allele origin: germline.
Comment: This sequence change replaces arginine, which is basic and polar, with histidine, which is basic and polar, at codon 1281 of the LAMA5 protein (p.Arg1281His). This variant is present in population databases (rs376504675, gnomAD 0.02%). This variant has not been reported in the literature in individuals affected with LAMA5-related conditions. ClinVar contains an entry for this variant (Variation ID: 2194688). An algorithm developed to predict the effect of missense changes on protein structure and function (PolyPhen-2) suggests that this variant is likely to be tolerated. In summary, the available evidence is currently insufficient to determine the role of this variant in disease. Therefore, it has been classified as a Variant of Uncertain Significance.

NM_005560.6(LAMA5):c.3842G>A (p.Arg1281His)

Gene: LAMA5 (laminin subunit alpha 5; minus strand). Cytogenetic location: 20q13.33.
Variant type: single nucleotide variant.
Coding change: c.3842G>A on transcript NM_005560.6 (MANE Select); coding-DNA position 3842, G replaced by A.
Protein change: p.Arg1281His; replaces arginine 1281 with histidine.
Molecular consequence: missense variant.
Genome position (GRCh38, 1-based): chr20:62,330,753, C>T on the plus strand (G>A on the coding strand, the complement: LAMA5 is on the minus strand). VCF-style: chr20-62330753-C-T. GRCh37 (hg19) VCF-style: chr20-60905809-C-T.
Other names: c.3842G>A (NM_005560.3); short protein forms R1281H.
Identifiers: ClinVar variation 2194688 (VCV002194688.7), dbSNP rs376504675, ClinGen allele CA9942840.